The following is an entry in ClinVar:

ClinVar aggregate classification (germline): Pathogenic (1 of 4 stars; one submission).

Submission:

Labcorp Genetics (formerly Invitae), Labcorp
Classification: Pathogenic. Last evaluated: 2022-12-12. Review status: criteria provided, single submitter. Criteria: Invitae Variant Classification Sherloc (09022015). Collection method: clinical testing. Allele origin: germline.
Comment: For these reasons, this variant has been classified as Pathogenic. This variant has not been reported in the literature in individuals affected with ITPR1-related conditions. This variant is not present in population databases (gnomAD no frequency). This sequence change creates a premature translational stop signal (p.Leu2295*) in the ITPR1 gene. It is expected to result in an absent or disrupted protein product. Loss-of-function variants in ITPR1 are known to be pathogenic (PMID: 27108797).

Literature cited by the submitters: PubMed 27108797.

NM_001378452.1(ITPR1):c.7073T>G (p.Leu2358Ter)

Gene: ITPR1 (inositol 1,4,5-trisphosphate receptor type 1; plus strand). Cytogenetic location: 3p26.1.
Variant type: single nucleotide variant.
Coding change: c.7073T>G on transcript NM_001378452.1 (MANE Select); coding-DNA position 7073, T replaced by G.
Protein change: p.Leu2358Ter; replaces leucine 2358 with a stop codon.
Molecular consequence: nonsense.
Genome position (GRCh38, 1-based): chr3:4,800,566, T>G. VCF-style: chr3-4800566-T-G. GRCh37 (hg19) VCF-style: chr3-4842250-T-G.
Other names: c.6929T>G, p.Leu2310Ter (NM_001099952.4); c.7028T>G, p.Leu2343Ter (NM_001168272.2); c.6884T>G, p.Leu2295Ter (NM_002222.7); short protein forms L2295*, L2310*, L2343*, L2358*.
Identifiers: ClinVar variation 1695412 (VCV001695412.41), dbSNP rs2125423427, ClinGen allele CA351643920.